The following is an entry in ClinVar:

NM_006231.4(POLE):c.236del (p.Gly79fs)

Gene: POLE (DNA polymerase epsilon, catalytic subunit; minus strand). Cytogenetic location: 12q24.33.
Variant type: Deletion.
Coding change: c.236del on transcript NM_006231.4 (MANE Select); coding-DNA position 236, one base deleted (G; older notation c.236delG).
Protein change: p.Gly79fs; shifts the reading frame from glycine 79.
Molecular consequence: frameshift variant.
Genome position (GRCh38, 1-based): chr12:132,680,656, C deleted on the plus strand (G on the coding strand, the reverse complement: POLE is on the minus strand); the first of 2 consecutive C bases (chr12:132,680,656-132,680,657); deleting either gives the same sequence. VCF-style (leftmost placement, unchanged base first): chr12-132680655-GC-G. GRCh37 (hg19) VCF-style: chr12-133257241-GC-G.
Other names: short protein forms G79fs.
Identifiers: ClinVar variation 3641648 (VCV003641648.2).

ClinVar aggregate classification (germline): Pathogenic (1 of 4 stars; one submission).

Submission:

Labcorp Genetics (formerly Invitae), Labcorp
Classification: Pathogenic. Last evaluated: 2024-02-17. Review status: criteria provided, single submitter. Criteria: Invitae Variant Classification Sherloc (09022015). Collection method: clinical testing. Allele origin: germline.
Comment: This sequence change creates a premature translational stop signal (p.Gly79Alafs*70) in the POLE gene. It is expected to result in an absent or disrupted protein product. Loss-of-function variants in POLE are known to be pathogenic (PMID: 23230001, 25948378, 30503519). This variant is not present in population databases (gnomAD no frequency). This variant has not been reported in the literature in individuals affected with POLE-related conditions. For these reasons, this variant has been classified as Pathogenic.

Literature cited by the submitters: PubMed 23230001; PubMed 25948378; PubMed 30503519.